The following is an entry in ClinVar:

ClinVar aggregate classification (germline): Uncertain significance (1 of 4 stars; one submission).

Conditions:
Tooth agenesis, selective, 4 (STHAG4). Also called: SUCCEDANEOUS TEETH, AGENESIS OF; TOOTH AGENESIS, SELECTIVE, 4, WITH OR WITHOUT ECTODERMAL DYSPLASIA; LATERAL INCISORS, ABSENCE OF; LATERAL INCISORS, PEGGED OR MISSING. Identifiers: Orphanet 99798, MedGen C1835492, MONDO:0007881, OMIM 150400. Disease mechanism: loss of function.
Odonto-onycho-dermal dysplasia. Identifiers: Orphanet 2721, MedGen C0796093, MONDO:0009773, OMIM 257980.

Allele frequency attached by ClinVar (database versions not stated): gnomAD exomes below 0.00001.
gnomAD v4.1: 4 of 1,596,792 alleles (0.00025%); highest among the groups gnomAD compares: Non-Finnish European, 0.00034%; no homozygotes.

Submission:

Labcorp Genetics (formerly Invitae), Labcorp
Classification: Uncertain significance for Tooth agenesis, selective, 4; Odonto-onycho-dermal dysplasia. Last evaluated: 2020-08-17. Review status: criteria provided, single submitter. Criteria: Invitae Variant Classification Sherloc (09022015). Collection method: clinical testing. Allele origin: germline.
Comment: This sequence change replaces cysteine with phenylalanine at codon 264 of the WNT10A protein (p.Cys264Phe). The cysteine residue is highly conserved and there is a large physicochemical difference between cysteine and phenylalanine. This variant is not present in population databases (ExAC no frequency). In summary, the available evidence is currently insufficient to determine the role of this variant in disease. Therefore, it has been classified as a Variant of Uncertain Significance. Algorithms developed to predict the effect of missense changes on protein structure and function (SIFT, PolyPhen-2, Align-GVGD) all suggest that this variant is likely to be disruptive, but these predictions have not been confirmed by published functional studies and their clinical significance is uncertain. This variant has not been reported in the literature in individuals with WNT10A-related conditions. ClinVar contains an entry for this variant (Variation ID: 861837).

NM_025216.3(WNT10A):c.791G>T (p.Cys264Phe)

Gene: WNT10A (Wnt family member 10A; plus strand). Cytogenetic location: 2q35.
Variant type: single nucleotide variant.
Coding change: c.791G>T on transcript NM_025216.3 (MANE Select); coding-DNA position 791, G replaced by T.
Protein change: p.Cys264Phe; replaces cysteine 264 with phenylalanine.
Molecular consequence: missense variant.
Genome position (GRCh38, 1-based): chr2:218,892,808, G>T. VCF-style: chr2-218892808-G-T. GRCh37 (hg19) VCF-style: chr2-219757530-G-T.
Other names: short protein forms C264F.
Identifiers: ClinVar variation 861837 (VCV000861837.10), dbSNP rs1944669118, ClinGen allele CA350589481.